The following is an entry in ClinVar:

NM_001312673.2(PCYT1A):c.1011dup (p.Phe338fs)

Gene: PCYT1A (phosphate cytidylyltransferase 1A, choline; minus strand). Cytogenetic location: 3q29.
Variant type: Duplication.
Coding change: c.1011dup on transcript NM_001312673.2 (MANE Select); coding-DNA position 1011, one base duplicated (C; older notation c.1011dupC).
Protein change: p.Phe338fs; shifts the reading frame from phenylalanine 338.
Molecular consequence: frameshift variant.
Genome position (GRCh38, 1-based): chr3:196,238,781, G duplicated on the plus strand (C on the coding strand, the reverse complement: PCYT1A is on the minus strand); the first of 3 consecutive G bases (chr3:196,238,781-196,238,783); duplicating any one gives the same sequence. VCF-style (leftmost placement, unchanged base first): chr3-196238780-A-AG. GRCh37 (hg19) VCF-style: chr3-195965651-A-AG.
Other names: c.1011dup, p.Phe338fs (NM_005017.4); short protein forms F338fs.
Identifiers: ClinVar variation 1047309 (VCV001047309.4), dbSNP rs1323417474, ClinGen allele CA549261007.

ClinVar aggregate classification (germline): Uncertain significance (1 of 4 stars; one submission).

Submission:

Labcorp Genetics (formerly Invitae), Labcorp
Classification: Uncertain significance. Last evaluated: 2022-06-27. Review status: criteria provided, single submitter. Criteria: Invitae Variant Classification Sherloc (09022015). Collection method: clinical testing. Allele origin: germline.
Comment: In summary, the available evidence is currently insufficient to determine the role of this variant in disease. Therefore, it has been classified as a Variant of Uncertain Significance. Experimental studies and prediction algorithms are not available or were not evaluated, and the functional significance of this variant is currently unknown. ClinVar contains an entry for this variant (Variation ID: 1047309). This variant has not been reported in the literature in individuals affected with PCYT1A-related conditions. This variant is not present in population databases (gnomAD no frequency). This sequence change creates a premature translational stop signal (p.Phe338Leufs*23) in the PCYT1A gene. While this is not anticipated to result in nonsense mediated decay, it is expected to disrupt the last 30 amino acid(s) of the PCYT1A protein.